The following is an entry in ClinVar:

NM_000127.3(EXT1):c.1256T>C (p.Val419Ala)

Gene: EXT1 (exostosin glycosyltransferase 1; minus strand). Cytogenetic location: 8q24.11.
Variant type: single nucleotide variant.
Coding change: c.1256T>C on transcript NM_000127.3 (MANE Select); coding-DNA position 1256, T replaced by C.
Protein change: p.Val419Ala; replaces valine 419 with alanine.
Molecular consequence: missense variant.
Genome position (GRCh38, 1-based): chr8:117,830,258, A>G on the plus strand (T>C on the coding strand, the complement: EXT1 is on the minus strand). VCF-style: chr8-117830258-A-G. GRCh37 (hg19) VCF-style: chr8-118842497-A-G.
Other names: short protein forms V419A.
Identifiers: ClinVar variation 3719480 (VCV003719480.1).

ClinVar aggregate classification (germline): Uncertain significance (1 of 4 stars; one submission).

Conditions:
Multiple congenital exostosis (EXT). Also called: MULTIPLE CARTILAGINOUS EXOSTOSES; Multiple exostoses; Hereditary multiple osteochondromas; Hereditary multiple exostoses; Hereditary multiple exostosis; Multiple osteochondromas. Identifiers: Orphanet 321, MedGen C0015306, MONDO:0005508, HP:0002762.

gnomAD v4.1: 6 of 1,614,096 alleles (0.00037%); highest among the groups gnomAD compares: Non-Finnish European, 0.00042%; no homozygotes.

Submission:

Labcorp Genetics (formerly Invitae), Labcorp
Classification: Uncertain significance for Multiple congenital exostosis. Last evaluated: 2024-05-04. Review status: criteria provided, single submitter. Criteria: Invitae Variant Classification Sherloc (09022015). Collection method: clinical testing. Allele origin: germline.
Comment: This sequence change replaces valine, which is neutral and non-polar, with alanine, which is neutral and non-polar, at codon 419 of the EXT1 protein (p.Val419Ala). This variant is not present in population databases (gnomAD no frequency). This variant has not been reported in the literature in individuals affected with EXT1-related conditions. Advanced modeling of protein sequence and biophysical properties (such as structural, functional, and spatial information, amino acid conservation, physicochemical variation, residue mobility, and thermodynamic stability) performed at Invitae indicates that this missense variant is expected to disrupt EXT1 protein function with a positive predictive value of 80%. In summary, the available evidence is currently insufficient to determine the role of this variant in disease. Therefore, it has been classified as a Variant of Uncertain Significance.